The following is an entry in ClinVar:

ClinVar aggregate classification (germline): Uncertain significance (1 of 4 stars; one submission).

Submission:

CeGaT Center for Human Genetics Tuebingen
Classification: Uncertain significance. Last evaluated: 2022-05-01. Review status: criteria provided, single submitter. Criteria: CeGaT Center For Human Genetics Tuebingen Variant Classification Criteria Version 2. Collection method: clinical testing. Allele origin: germline. Affected: yes. Observed: 1 variant allele.
Comment: FRMPD4: PM2, PP3

NM_001368397.1(FRMPD4):c.1070+5G>C

Gene: FRMPD4 (FERM and PDZ domain containing 4; plus strand). Cytogenetic location: Xp22.2.
Variant type: single nucleotide variant.
Coding change: c.1070+5G>C on transcript NM_001368397.1 (MANE Select); 5 bases into the intron after coding-DNA position 1070, G replaced by C.
Molecular consequence: intron variant.
Genome position (GRCh38, 1-based): chrX:12,702,015, G>C. VCF-style: chrX-12702015-G-C. GRCh37 (hg19) VCF-style: chrX-12720134-G-C.
Other names: c.1181+5G>C (NM_001368398.3, NM_001368395.3); c.1046+5G>C (NM_001368402.3, NM_001368401.1); c.950+5G>C (NM_001368400.3); c.1061+5G>C (NM_001368399.3); c.1070+5G>C (NM_014728.3); c.1076+5G>C (NM_001368396.3).
Identifiers: ClinVar variation 1695283 (VCV001695283.31), dbSNP rs2147140286, ClinGen allele CA2580100024.